The following is an entry in ClinVar:

ClinVar aggregate classification (germline): Uncertain significance (1 of 4 stars; one submission).

Conditions:
Nephronophthisis. Also called: Juvenile Nephronophthisis. Identifiers: Orphanet 655, MedGen C0687120, MONDO:0019005, HP:0000090.

Allele frequency attached by ClinVar (database versions not stated): gnomAD exomes below 0.00001; ExAC 0.00001; gnomAD 0.00001.

Submission:

Labcorp Genetics (formerly Invitae), Labcorp
Classification: Uncertain significance for Nephronophthisis. Last evaluated: 2021-09-14. Review status: criteria provided, single submitter. Criteria: Invitae Variant Classification Sherloc (09022015). Collection method: clinical testing. Allele origin: germline.
Comment: In summary, the available evidence is currently insufficient to determine the role of this variant in disease. Therefore, it has been classified as a Variant of Uncertain Significance. Experimental studies and prediction algorithms are not available or were not evaluated, and the functional significance of this variant is currently unknown. This variant has not been reported in the literature in individuals affected with INVS-related conditions. This variant is present in population databases (rs757721719, ExAC 0.002%). This variant, c.127_129del, results in the deletion of 1 amino acid(s) of the INVS protein (p.Lys43del), but otherwise preserves the integrity of the reading frame.

NM_014425.5(INVS):c.127_129del (p.Lys43del)

Gene: INVS (inversin; plus strand). Cytogenetic location: 9q31.1.
Variant type: Deletion.
Coding change: c.127_129del on transcript NM_014425.5 (MANE Select); coding-DNA positions 127 to 129, 3 bases deleted (AAA; older notation c.127_129delAAA).
Protein change: p.Lys43del; deletes lysine 43.
Molecular consequence: inframe deletion. On other transcripts: 5 prime UTR variant (2), non-coding transcript variant (1).
Genome position (GRCh38, 1-based): chr9:100,126,403-100,126,405, AAA deleted. VCF-style (leftmost placement, unchanged base first): chr9-100126402-CAAA-C. GRCh37 (hg19) VCF-style: chr9-102888684-CAAA-C.
Other names: c.-250_-248del (NM_001318381.2); c.-863_-861del (NM_001318382.2); short protein forms K43del.
Identifiers: ClinVar variation 1386237 (VCV001386237.6), dbSNP rs757721719, ClinGen allele CA5158086.